The following is an entry in ClinVar:

NM_015937.6(PIGT):c.805A>T (p.Thr269Ser)

Gene: PIGT (phosphatidylinositol glycan anchor biosynthesis class T; plus strand). Cytogenetic location: 20q13.12.
Variant type: single nucleotide variant.
Coding change: c.805A>T on transcript NM_015937.6 (MANE Select); coding-DNA position 805, A replaced by T.
Protein change: p.Thr269Ser; replaces threonine 269 with serine.
Molecular consequence: missense variant. On other transcripts: non-coding transcript variant (5).
Genome position (GRCh38, 1-based): chr20:45,420,367, A>T. VCF-style: chr20-45420367-A-T. GRCh37 (hg19) VCF-style: chr20-44049007-A-T.
Other names: c.637A>T, p.Thr213Ser (NM_001184728.3); c.805A>T, p.Thr269Ser (NM_001184729.3); c.499A>T, p.Thr167Ser (NM_001184730.3); short protein forms T213S, T167S, T269S.
Identifiers: ClinVar variation 4742606 (VCV004742606.1).

ClinVar aggregate classification (germline): Uncertain significance (1 of 4 stars; one submission).

Conditions:
Multiple congenital anomalies-hypotonia-seizures syndrome 3 (MCAHS3). Also called: GLYCOSYLPHOSPHATIDYLINOSITOL BIOSYNTHESIS DEFECT 7. Identifiers: Orphanet 369837, MedGen C3809356, MONDO:0014165, OMIM 615398.

Submission:

Labcorp Genetics (formerly Invitae), Labcorp
Classification: Uncertain significance for Multiple congenital anomalies-hypotonia-seizures syndrome 3. Last evaluated: 2025-04-21. Review status: criteria provided, single submitter. Criteria: Invitae Variant Classification Sherloc (09022015). Collection method: clinical testing. Allele origin: germline.
Comment: This sequence change replaces threonine, which is neutral and polar, with serine, which is neutral and polar, at codon 269 of the PIGT protein (p.Thr269Ser). This variant is present in population databases (rs368747168, gnomAD 0.0009%). This variant has not been reported in the literature in individuals affected with PIGT-related conditions. Invitae Evidence Modeling of protein sequence and biophysical properties (such as structural, functional, and spatial information, amino acid conservation, physicochemical variation, residue mobility, and thermodynamic stability) indicates that this missense variant is not expected to disrupt PIGT protein function with a negative predictive value of 95%. In summary, the available evidence is currently insufficient to determine the role of this variant in disease. Therefore, it has been classified as a Variant of Uncertain Significance.